The following is an entry in ClinVar:

NM_000135.4(FANCA):c.2216C>T (p.Pro739Leu)

Gene: FANCA (FA complementation group A; minus strand). Cytogenetic location: 16q24.3.
Variant type: single nucleotide variant.
Coding change: c.2216C>T on transcript NM_000135.4 (MANE Select); coding-DNA position 2216, C replaced by T.
Protein change: p.Pro739Leu; replaces proline 739 with leucine.
Molecular consequence: missense variant.
Genome position (GRCh38, 1-based): chr16:89,770,570, G>A on the plus strand (C>T on the coding strand, the complement: FANCA is on the minus strand). VCF-style: chr16-89770570-G-A. GRCh37 (hg19) VCF-style: chr16-89836978-G-A.
Other names: c.2216C>T, p.Pro739Leu (NM_001286167.3); c.2216C>T (NM_000135.3, LRG_495t1); short protein forms P739L.
Identifiers: ClinVar variation 134253 (VCV000134253.51), dbSNP rs45441106, ClinGen allele CA159272.
Genomic context (GRCh38, chr16:89,770,570, plus strand): 5'-AAGAGGTGGCACCCAGAGGAGCCCCACCACTCAGGGAGCTGCCCGCGCCTTCACCTCTCC[G>A]GGGGAGCGACACTGGAGGCAGCCATCAGGTTCTGACAGAAAGACGTCAGCAGGAGGTCCA-3'
Protein context (NP_000126.2, residues 729-749): NLMAASSVAP[Pro739Leu]ERQGPWAALF

ClinVar aggregate classification (germline): Benign/Likely benign. Review status: criteria provided, multiple submitters, no conflicts (2 of 4 stars). 13 submissions from 13 submitters: Benign (4); Likely benign (6). 3 of the submissions do not count toward it. Last evaluated 2026-01-31.

Conditions:
Fanconi anemia (FA). Also called: Fanconi's anemia. Identifiers: Orphanet 84, MedGen C0015625, MeSH D005199, MONDO:0019391.
Fanconi anemia complementation group A (FANCA). Also called: Fanconi anemia, group A; FANCA-Related Fanconi Anemia. Identifiers: Orphanet 84, MedGen C3469521, MONDO:0009215, OMIM 227650.

Allele frequency attached by ClinVar (database versions not stated): gnomAD exomes 0.00093; ExAC 0.00164; ESP Exome Variant Server 0.00308; TOPMed 0.00328; gnomAD 0.00341; 1000 Genomes Project 30x 0.00359; 1000 Genomes Project 0.00379.
gnomAD v4.1: 1,738 of 1,609,406 alleles (0.11%); highest among the groups gnomAD compares: African/African-American, 1%; 6 homozygotes.

Submissions (13):

Labcorp Genetics (formerly Invitae), Labcorp
Classification: Benign for Fanconi anemia. Last evaluated: 2026-01-31. Review status: criteria provided, single submitter. Criteria: Invitae Variant Classification Sherloc (09022015). Collection method: clinical testing. Allele origin: germline.

Quest Diagnostics Nichols Institute San Juan Capistrano
Classification: Benign. Last evaluated: 2025-06-06. Review status: criteria provided, single submitter. Criteria: Quest Diagnostics criteria. Collection method: clinical testing. Allele origin: unknown.

Blueprint Genetics
Classification: Likely benign. Last evaluated: 2024-09-12. Review status: criteria provided, single submitter. Criteria: ACMG Guidelines, 2015. Collection method: clinical testing. Allele origin: germline.

CeGaT Center for Human Genetics Tuebingen
Classification: Likely benign. Last evaluated: 2023-08-01. Review status: criteria provided, single submitter. Criteria: CeGaT Center For Human Genetics Tuebingen Variant Classification Criteria Version 2. Collection method: clinical testing. Allele origin: germline. Affected: yes. Observed: 1 variant allele.
Comment: FANCA: BS1

KCCC/NGS Laboratory, Kuwait Cancer Control Center
Classification: Benign for Fanconi anemia complementation group A. Last evaluated: 2023-07-07. Review status: criteria provided, single submitter. Criteria: ACMG Guidelines, 2015. Collection method: clinical testing. Allele origin: germline. Affected: yes.

Sema4
Classification: Likely benign for Fanconi anemia. Last evaluated: 2021-07-03. Review status: criteria provided, single submitter. Criteria: Sema4 Curation Guidelines. Collection method: curation. Allele origin: germline.

GeneDx
Classification: Likely benign. Last evaluated: 2021-05-26. Review status: criteria provided, single submitter. Criteria: GeneDx Variant Classification Process June 2021. Collection method: clinical testing. Allele origin: germline. Affected: yes.
Comment: In silico analysis supports that this missense variant has a deleterious effect on protein structure/function; This variant is associated with the following publications: (PMID: 28678401)

Genetic Services Laboratory, University of Chicago
Classification: Benign. Last evaluated: 2021-04-22. Review status: criteria provided, single submitter. Criteria: ACMG Guidelines, 2015. Collection method: clinical testing. Allele origin: germline. Affected: no.

Breakthrough Genomics
Classification: Likely benign. Review status: criteria provided, single submitter. Criteria: ACMG Guidelines, 2015. Collection method: not provided. Allele origin: germline. Inheritance: Autosomal recessive inheritance. Affected: yes.

PreventionGenetics, part of Exact Sciences
Classification: Likely benign. Review status: criteria provided, single submitter. Criteria: ACMG Guidelines, 2015. Collection method: clinical testing. Allele origin: germline.

Natera, Inc.
Classification: Likely benign for Fanconi anemia, group A. Last evaluated: 2020-01-08. Review status: no assertion criteria provided. Collection method: clinical testing. Allele origin: germline. Not counted in ClinVar's aggregate classification.

Counsyl
Classification: Likely benign for Fanconi anemia complementation group A. Last evaluated: 2018-05-24. Review status: no assertion criteria provided. Collection method: clinical testing. Allele origin: unknown. Not counted in ClinVar's aggregate classification.

ITMI
No classification provided. Condition: AllHighlyPenetrant. Last evaluated: 2013-09-19. Review status: no classification provided. Collection method: reference population. Allele origin: germline. Not counted in ClinVar's aggregate classification.
Comment: Please see associated publication for description of ethnicities

Literature cited by the submitters: PubMed 24728327 (cited by Quest Diagnostics Nichols Institute San Juan Capistrano and ITMI); PubMed 9371798 (cited by Quest Diagnostics Nichols Institute San Juan Capistrano); PubMed 28678401 (cited by Quest Diagnostics Nichols Institute San Juan Capistrano); PubMed 36898365 (cited by Quest Diagnostics Nichols Institute San Juan Capistrano); PubMed 38398132 (cited by Quest Diagnostics Nichols Institute San Juan Capistrano).